The following is an entry in ClinVar:

NM_000238.4(KCNH2):c.935G>C (p.Arg312Pro)

Gene: KCNH2 (potassium voltage-gated channel subfamily H member 2; minus strand). Cytogenetic location: 7q36.1.
Variant type: single nucleotide variant.
Coding change: c.935G>C on transcript NM_000238.4 (MANE Select); coding-DNA position 935, G replaced by C.
Protein change: p.Arg312Pro; replaces arginine 312 with proline.
Molecular consequence: missense variant. On other transcripts: non-coding transcript variant (1).
Genome position (GRCh38, 1-based): chr7:150,957,484, C>G on the plus strand (G>C on the coding strand, the complement: KCNH2 is on the minus strand). VCF-style: chr7-150957484-C-G. GRCh37 (hg19) VCF-style: chr7-150654572-C-G.
Other names: c.647G>C, p.Arg216Pro (NM_001406753.1, NM_001406756.1); c.758G>C, p.Arg253Pro (NM_001406755.1); c.635G>C, p.Arg212Pro (NM_001406757.1); c.935G>C, p.Arg312Pro (NM_172056.3); short protein forms R253P, R216P, R312P, R212P.
Identifiers: ClinVar variation 2789987 (VCV002789987.4), dbSNP rs747313232, ClinGen allele CA169080932.

ClinVar aggregate classification (germline): Uncertain significance. Review status: criteria provided, multiple submitters, no conflicts (2 of 4 stars). 2 submissions from 2 submitters: Uncertain significance (2). Last evaluated 2024-01-04.

Conditions:
Long QT syndrome (LQTS). Identifiers: MedGen C0023976, MeSH D008133, MONDO:0002442. Disease mechanism: loss of function. Inheritance: Various modes of inheritance.

gnomAD v4.1: 1 of 1,613,634 alleles (0.000062%); highest among the groups gnomAD compares: African/African-American, 0.0013%; no homozygotes.

Submissions (2):

Labcorp Genetics (formerly Invitae), Labcorp
Classification: Uncertain significance for Long QT syndrome. Last evaluated: 2024-01-04. Review status: criteria provided, single submitter. Criteria: Invitae Variant Classification Sherloc (09022015). Collection method: clinical testing. Allele origin: germline.
Comment: This sequence change replaces arginine, which is basic and polar, with proline, which is neutral and non-polar, at codon 312 of the KCNH2 protein (p.Arg312Pro). This variant is not present in population databases (gnomAD no frequency). This variant has not been reported in the literature in individuals affected with KCNH2-related conditions. An algorithm developed to predict the effect of missense changes on protein structure and function (PolyPhen-2) suggests that this variant is likely to be disruptive. In summary, the available evidence is currently insufficient to determine the role of this variant in disease. Therefore, it has been classified as a Variant of Uncertain Significance.

All of Us Research Program, National Institutes of Health
Classification: Uncertain significance for Long QT syndrome. Last evaluated: 2023-07-10. Review status: criteria provided, single submitter. Criteria: ACMG Guidelines, 2015. Collection method: clinical testing. Allele origin: germline. Inheritance: Autosomal dominant inheritance. Observed: 1 variant allele, 1 heterozygote.
Comment: This missense variant replaces arginine with proline at codon 312 of the KCNH2 protein. Computational prediction suggests that this variant may have deleterious impact on protein structure and function (internally defined REVEL score threshold >= 0.7, PMID: 27666373). To our knowledge, functional studies have not been reported for this variant. This variant has not been reported in individuals affected with KCNH2-related disorders in the literature. This variant has not been identified in the general population by the Genome Aggregation Database (gnomAD). The available evidence is insufficient to determine the role of this variant in disease conclusively. Therefore, this variant is classified as a Variant of Uncertain Significance.

This study involves interpretation of variants in research participants for the purpose of population health screening. Participant phenotype was not available at the time of variant classification. Additional details can be found in publication PMID: 35346344, PMCID: PMC8962531